The following is an entry in ClinVar:

ClinVar aggregate classification (germline): Uncertain significance. Review status: criteria provided, multiple submitters, no conflicts (2 of 4 stars). 2 submissions from 2 submitters: Uncertain significance (2). Last evaluated 2023-10-01.

Conditions:
Inborn genetic diseases. Identifiers: MedGen C0950123, MeSH D030342.

Allele frequency attached by ClinVar (database versions not stated): gnomAD 0.00003; TOPMed 0.00004; gnomAD exomes 0.00007.
gnomAD v4.1: 85 of 1,162,016 alleles (0.0073%); highest among the groups gnomAD compares: Non-Finnish European, 0.009%; no homozygotes.

Submissions (2):

CeGaT Center for Human Genetics Tuebingen
Classification: Uncertain significance. Last evaluated: 2023-10-01. Review status: criteria provided, single submitter. Criteria: CeGaT Center For Human Genetics Tuebingen Variant Classification Criteria Version 2. Collection method: clinical testing. Allele origin: germline. Affected: yes. Observed: 1 variant allele.
Comment: HCFC1: PM2:Supporting, PP2

Ambry Genetics
Classification: Uncertain significance for Inborn genetic diseases. Last evaluated: 2023-09-20. Review status: criteria provided, single submitter. Criteria: Ambry Variant Classification Scheme 2023. Collection method: clinical testing. Allele origin: germline.

NM_005334.3(HCFC1):c.1616G>A (p.Ser539Asn)

Gene: HCFC1 (host cell factor C1; minus strand). Cytogenetic location: Xq28.
Variant type: single nucleotide variant.
Coding change: c.1616G>A on transcript NM_005334.3 (MANE Select); coding-DNA position 1616, G replaced by A.
Protein change: p.Ser539Asn; replaces serine 539 with asparagine.
Molecular consequence: missense variant.
Genome position (GRCh38, 1-based): chrX:153,958,756, C>T on the plus strand (G>A on the coding strand, the complement: HCFC1 is on the minus strand). VCF-style: chrX-153958756-C-T. GRCh37 (hg19) VCF-style: chrX-153224207-C-T.
Other names: c.1616G>A, p.Ser539Asn (NM_001410705.1); c.1616G>A (NM_005334.2); short protein forms S539N.
Identifiers: ClinVar variation 2661772 (VCV002661772.25), dbSNP rs1022915985, ClinGen allele CA337256597.